The following is an entry in ClinVar:

ClinVar aggregate classification (germline): Uncertain significance. Review status: criteria provided, multiple submitters, no conflicts (2 of 4 stars). 2 submissions from 2 submitters: Uncertain significance (2). Last evaluated 2023-06-30.

Conditions:
Hereditary cancer-predisposing syndrome. Also called: Tumor predisposition; Hereditary neoplastic syndrome; Hereditary Cancer Syndrome; Neoplastic Syndromes, Hereditary. Identifiers: Orphanet 140162, MedGen C0027672, MeSH D009386, MONDO:0015356.
Bloom syndrome (BLM). Also called: Bloom-Torre-Machacek syndrome. Identifiers: Orphanet 125, MedGen C0005859, MONDO:0008876, OMIM 210900.

gnomAD v4.1: 1 of 1,613,438 alleles (0.000062%); highest among the groups gnomAD compares: Non-Finnish European, 0.000085%; no homozygotes.

Submissions (2):

Labcorp Genetics (formerly Invitae), Labcorp
Classification: Uncertain significance for Bloom syndrome. Last evaluated: 2023-06-30. Review status: criteria provided, single submitter. Criteria: Invitae Variant Classification Sherloc (09022015). Collection method: clinical testing. Allele origin: germline.
Comment: This variant has not been reported in the literature in individuals affected with BLM-related conditions. ClinVar contains an entry for this variant (Variation ID: 964153). Advanced modeling of protein sequence and biophysical properties (such as structural, functional, and spatial information, amino acid conservation, physicochemical variation, residue mobility, and thermodynamic stability) performed at Invitae indicates that this missense variant is expected to disrupt BLM protein function. In summary, the available evidence is currently insufficient to determine the role of this variant in disease. Therefore, it has been classified as a Variant of Uncertain Significance. This variant is not present in population databases (gnomAD no frequency). This sequence change replaces isoleucine, which is neutral and non-polar, with lysine, which is basic and polar, at codon 1005 of the BLM protein (p.Ile1005Lys).

Ambry Genetics
Classification: Uncertain significance for Hereditary cancer-predisposing syndrome. Last evaluated: 2022-10-27. Review status: criteria provided, single submitter. Criteria: Ambry Variant Classification Scheme 2023. Collection method: clinical testing. Allele origin: germline.
Comment: The p.I1005K variant (also known as c.3014T>A), located in coding exon 14 of the BLM gene, results from a T to A substitution at nucleotide position 3014. The isoleucine at codon 1005 is replaced by lysine, an amino acid with dissimilar properties. This amino acid position is highly conserved in available vertebrate species. In addition, this alteration is predicted to be deleterious by in silico analysis. Since supporting evidence is limited at this time, the clinical significance of this alteration remains unclear.

NM_000057.4(BLM):c.3014T>A (p.Ile1005Lys)

Gene: BLM (BLM RecQ like helicase; plus strand). Cytogenetic location: 15q26.1.
Variant type: single nucleotide variant.
Coding change: c.3014T>A on transcript NM_000057.4 (MANE Select); coding-DNA position 3014, T replaced by A.
Protein change: p.Ile1005Lys; replaces isoleucine 1005 with lysine.
Molecular consequence: missense variant.
Genome position (GRCh38, 1-based): chr15:90,790,839, T>A. VCF-style: chr15-90790839-T-A. GRCh37 (hg19) VCF-style: chr15-91334069-T-A.
Other names: c.3014T>A, p.Ile1005Lys (NM_001287246.2, NM_001287247.2); c.1889T>A, p.Ile630Lys (NM_001287248.2); short protein forms I1005K, I630K.
Identifiers: ClinVar variation 964153 (VCV000964153.12), dbSNP rs772671554, ClinGen allele CA393846619.
Genomic context (GRCh38, chr15:90,790,839, plus strand): 5'-AAATATCTCACTGCCTGCTTTTCTATACCTATCATGATGTGACCAGACTGAAAAGACTTA[T>A]AATGAGTAAGCTGGGCTCCATTGTAGAGACATTCTGTCATCTTCAGCCTCATGATAGTAG-3'
Protein context (NP_000048.1, residues 995-1015): YHDVTRLKRL[Ile1005Lys]MMEKDGNHHT